The following is an entry in ClinVar:

NM_001128840.3(CACNA1D):c.757G>A (p.Gly253Arg)

Gene: CACNA1D (calcium voltage-gated channel subunit alpha1 D; plus strand). Cytogenetic location: 3p21.1.
Variant type: single nucleotide variant.
Coding change: c.757G>A on transcript NM_001128840.3 (MANE Select); coding-DNA position 757, G replaced by A.
Protein change: p.Gly253Arg; replaces glycine 253 with arginine.
Molecular consequence: missense variant.
Genome position (GRCh38, 1-based): chr3:53,660,266, G>A. VCF-style: chr3-53660266-G-A. GRCh37 (hg19) VCF-style: chr3-53694293-G-A.
Other names: c.757G>A, p.Gly253Arg (NM_000720.4, NM_001128839.3); short protein forms G253R.
Identifiers: ClinVar variation 1302499 (VCV001302499.2), dbSNP rs2108327530, ClinGen allele CA353382798.

ClinVar aggregate classification (germline): Uncertain significance (1 of 4 stars; one submission).

Submission:

GeneDx
Classification: Uncertain significance. Last evaluated: 2019-04-20. Review status: criteria provided, single submitter. Criteria: GeneDx Variant Classification Process June 2021. Collection method: clinical testing. Allele origin: germline. Affected: yes.
Comment: Not observed in large population cohorts (Lek et al., 2016); In silico analysis, which includes protein predictors and evolutionary conservation, supports a deleterious effect; Has not been previously published as pathogenic or benign to our knowledge